The following is an entry in ClinVar:

ClinVar aggregate classification (germline): Uncertain significance (1 of 4 stars; one submission).

Submission:

Dasa
Classification: Uncertain significance. Last evaluated: 2025-12-02. Review status: criteria provided, single submitter. Criteria: DASA Assertion Criteria. Collection method: clinical testing. Allele origin: germline.
Comment: NM_001130438.3(SPTAN1):c.4491+5G>C is a splice-region variant. This variant is absent from population databases. The currently available literature and clinical evidence are not sufficient to establish a definitive association between this variant and the reported condition. Therefore, this variant is classified as a variant of uncertain significance.

NM_001130438.3(SPTAN1):c.4491+5G>C

Gene: SPTAN1 (spectrin alpha, non-erythrocytic 1; plus strand). Cytogenetic location: 9q34.11.
Variant type: single nucleotide variant.
Coding change: c.4491+5G>C on transcript NM_001130438.3 (MANE Select); 5 bases into the intron after coding-DNA position 4491, G replaced by C.
Molecular consequence: intron variant.
Genome position (GRCh38, 1-based): chr9:128,608,281, G>C. VCF-style: chr9-128608281-G-C. GRCh37 (hg19) VCF-style: chr9-131370560-G-C.
Other names: c.4527+5G>C (NM_001375318.1, NM_001375312.2, NM_001438440.1); c.4491+5G>C (NM_001375311.2, NM_001375310.1, NM_001363759.2 and 4 more transcripts); c.4431+5G>C (NM_001375314.2, NM_001363765.2, NM_001438442.1 and 3 more transcripts).
Identifiers: ClinVar variation 4885101 (VCV004885101.2).